The following is an entry in ClinVar:

NM_005245.4(FAT1):c.12438C>A (p.His4146Gln)

Gene: FAT1 (FAT atypical cadherin 1; minus strand). Cytogenetic location: 4q35.2.
Variant type: single nucleotide variant.
Coding change: c.12438C>A on transcript NM_005245.4 (MANE Select); coding-DNA position 12438, C replaced by A.
Protein change: p.His4146Gln; replaces histidine 4146 with glutamine.
Molecular consequence: missense variant.
Genome position (GRCh38, 1-based): chr4:186,597,102, G>T on the plus strand (C>A on the coding strand, the complement: FAT1 is on the minus strand). VCF-style: chr4-186597102-G-T. GRCh37 (hg19) VCF-style: chr4-187518256-G-T.
Other names: short protein forms H4146Q.
Identifiers: ClinVar variation 2048260 (VCV002048260.1), dbSNP rs760747643, ClinGen allele CA3164812.

ClinVar aggregate classification (germline): Uncertain significance (1 of 4 stars; one submission).

gnomAD v4.1: 50 of 1,613,980 alleles (0.0031%); highest among the groups gnomAD compares: East Asian, 0.11%; no homozygotes.

Submission:

Labcorp Genetics (formerly Invitae), Labcorp
Classification: Uncertain significance. Last evaluated: 2022-07-11. Review status: criteria provided, single submitter. Criteria: Invitae Variant Classification Sherloc (09022015). Collection method: clinical testing. Allele origin: germline.
Comment: This sequence change replaces histidine, which is basic and polar, with glutamine, which is neutral and polar, at codon 4146 of the FAT1 protein (p.His4146Gln). This variant is present in population databases (rs760747643, gnomAD 0.2%). This variant has not been reported in the literature in individuals affected with FAT1-related conditions. Algorithms developed to predict the effect of missense changes on protein structure and function are either unavailable or do not agree on the potential impact of this missense change (SIFT: "Deleterious"; PolyPhen-2: "Benign"; Align-GVGD: "Class C0"). In summary, the available evidence is currently insufficient to determine the role of this variant in disease. Therefore, it has been classified as a Variant of Uncertain Significance.